The following is an entry in ClinVar:

ClinVar aggregate classification (germline): Uncertain significance (1 of 4 stars; one submission).

Submission:

Women's Health and Genetics/Laboratory Corporation of America, LabCorp
Classification: Uncertain significance. Last evaluated: 2025-05-16. Review status: criteria provided, single submitter. Criteria: LabCorp Variant Classification Summary - May 2015. Collection method: clinical testing. Allele origin: germline.
Comment: Variant summary: EIF2B5 c.236C>T (p.Thr79Ile) results in a non-conservative amino acid change in the encoded protein sequence. Algorithms developed to predict the effect of missense changes on protein structure and function all suggest that this variant is likely to be disruptive. The variant was absent in 251478 control chromosomes. The available data on variant occurrences in the general population are insufficient to allow any conclusion about variant significance. c.236C>T has been observed in individual(s) affected with Leukoencephalopathy With Vanishing White Matter (Pronk_2006, Liu_2011). These report(s) do not provide unequivocal conclusions about association of the variant with Leukoencephalopathy With Vanishing White Matter. At least one publication reports experimental evidence evaluating an impact on protein function, however, does not allow convincing conclusions about the variant effect (Liu_2011). The following publications have been ascertained in the context of this evaluation (PMID: 16807905, 21560189, 33432707). No submitters have cited clinical-significance assessments for this variant to ClinVar. Based on the evidence outlined above, the variant was classified as uncertain significance.

Literature cited by the submitters: PubMed 33432707; PubMed 21560189; PubMed 16807905.

NM_003907.3(EIF2B5):c.236C>T (p.Thr79Ile)

Gene: EIF2B5 (eukaryotic translation initiation factor 2B subunit epsilon; plus strand). Cytogenetic location: 3q27.1.
Variant type: single nucleotide variant.
Coding change: c.236C>T on transcript NM_003907.3 (MANE Select); coding-DNA position 236, C replaced by T.
Protein change: p.Thr79Ile; replaces threonine 79 with isoleucine.
Molecular consequence: missense variant.
Genome position (GRCh38, 1-based): chr3:184,136,652, C>T. VCF-style: chr3-184136652-C-T. GRCh37 (hg19) VCF-style: chr3-183854440-C-T.
Other names: short protein forms T79I.
Identifiers: ClinVar variation 3902167 (VCV003902167.1).
Genomic context (GRCh38, chr3:184,136,652, plus strand): 5'-TTTCATCTTGTATCCTTCAGGTCCTCTTGCCCCTGGCCAATGTGGCATTAATTGACTACA[C>T]TCTGGAATTCCTGACTGCCACAGGTGTACAGGAAACATTTGTCTTTTGTTGCTGGAAAGC-3'
Protein context (NP_003898.2, residues 69-89): PLANVALIDY[Thr79Ile]LEFLTATGVQ